The following is an entry in ClinVar:

NM_002971.6(SATB1):c.1219G>C (p.Glu407Gln)

Gene: SATB1 (SATB homeobox 1; minus strand). Cytogenetic location: 3p24.3.
Variant type: single nucleotide variant.
Coding change: c.1219G>C on transcript NM_002971.6 (MANE Select); coding-DNA position 1219, G replaced by C.
Protein change: p.Glu407Gln; replaces glutamic acid 407 with glutamine.
Molecular consequence: missense variant.
Genome position (GRCh38, 1-based): chr3:18,386,599, C>G on the plus strand (G>C on the coding strand, the complement: SATB1 is on the minus strand). VCF-style: chr3-18386599-C-G. GRCh37 (hg19) VCF-style: chr3-18428091-C-G.
Other names: c.1219G>C, p.Glu407Gln (NM_001131010.4, NM_001195470.3, NM_001322871.2 and 4 more transcripts); c.1003G>C, p.Glu335Gln (NM_001322876.2); short protein forms E335Q, E407Q.
Identifiers: ClinVar variation 1050816 (VCV001050816.6), dbSNP rs2125208683, ClinGen allele CA351855342.

ClinVar aggregate classification (germline): Pathogenic. Review status: criteria provided, multiple submitters, no conflicts (2 of 4 stars). 3 submissions from 3 submitters: Pathogenic (3). Last evaluated 2024-10-23.

Conditions:
Developmental delay with dysmorphic facies and dental anomalies. Identifiers: MedGen C5543197, MONDO:0030988, OMIM 619228.
Kohlschutter-Tonz syndrome-like. Also called: DEN HOED-DE BOER-VOISIN SYNDROME. Identifiers: MedGen C5543202, MONDO:0030990, OMIM 619229.

Submissions (3):

Institute of Human Genetics, University of Leipzig Medical Center
Classification: Pathogenic for Kohlschutter-Tonz syndrome-like. Last evaluated: 2024-10-23. Review status: criteria provided, single submitter. Criteria: ACMG Guidelines, 2015. Collection method: clinical testing. Allele origin: unknown. Inheritance: Autosomal dominant inheritance. Affected: yes.
Comment: Criteria applied: PS4_MOD,PM2,PM5,PM6,PM1_SUP,PP2

Mendelics
Classification: Pathogenic for Developmental delay with dysmorphic facies and dental anomalies. Last evaluated: 2022-05-04. Review status: criteria provided, single submitter. Criteria: Mendelics Assertion Criteria 2019. Collection method: clinical testing. Allele origin: germline.

Equipe Genetique des Anomalies du Developpement, Université de Bourgogne
Classification: Pathogenic for Kohlschutter-Tonz syndrome-like. Review status: criteria provided, single submitter. Criteria: ACMG Guidelines, 2015. Collection method: clinical testing. Allele origin: de novo. Affected: yes.

Literature cited by the submitters: PubMed 34782754 (cited by Equipe Genetique des Anomalies du Developpement, Université de Bourgogne).